The following is an entry in ClinVar:

ClinVar aggregate classification (germline): Likely benign. Review status: criteria provided, single submitter (1 of 4 stars). 4 submissions from 4 submitters: Likely benign (1). 3 of the submissions do not count toward it. Last evaluated 2024-06-26.

Conditions:
CDH23-related disorder. Also called: CDH23-related condition; CDH23-related disorders.

Allele frequency attached by ClinVar (database versions not stated): gnomAD exomes 0.00015 and 0.00034; gnomAD 0.00025 and 0.00028; ExAC 0.00032; 1000 Genomes Project 0.00040; TOPMed 0.00045; 1000 Genomes Project 30x 0.00047.
gnomAD v4.1: 278 of 1,599,070 alleles (0.017%); highest among the groups gnomAD compares: Middle Eastern, 0.066%; no homozygotes.

Submissions (4):

Blueprint Genetics
Classification: Likely benign. Last evaluated: 2024-06-26. Review status: criteria provided, single submitter. Criteria: ACMG Guidelines, 2015. Collection method: clinical testing. Allele origin: germline.

PreventionGenetics, part of Exact Sciences
Classification: Likely benign for CDH23-related condition. Last evaluated: 2024-08-23. Review status: no assertion criteria provided. Collection method: clinical testing. Allele origin: germline. Not counted in ClinVar's aggregate classification.
Comment: This variant is classified as likely benign based on ACMG/AMP sequence variant interpretation guidelines (Richards et al. 2015 PMID: 25741868, with internal and published modifications).

Clinical Genetics DNA and cytogenetics Diagnostics Lab, Erasmus MC, Erasmus Medical Center
Classification: Likely benign. Review status: no assertion criteria provided. Collection method: clinical testing. Allele origin: germline. Affected: yes. Study: VKGL Data-share Consensus. Not counted in ClinVar's aggregate classification.

Clinical Genetics, Academic Medical Center
Classification: Likely benign. Review status: no assertion criteria provided. Collection method: clinical testing. Allele origin: germline. Affected: yes. Study: VKGL Data-share Consensus. Not counted in ClinVar's aggregate classification.

NM_022124.6(CDH23):c.9381-144C>A

Gene: CDH23 (cadherin related 23; plus strand). Cytogenetic location: 10q22.1.
Variant type: single nucleotide variant.
Coding change: c.9381-144C>A on transcript NM_022124.6 (MANE Select); 144 bases into the intron before coding-DNA position 9381, C replaced by A.
Molecular consequence: intron variant. On other transcripts: synonymous variant (2).
Genome position (GRCh38, 1-based): chr10:71,812,336, C>A. VCF-style: chr10-71812336-C-A. GRCh37 (hg19) VCF-style: chr10-73572093-C-A.
Other names: c.45C>A, p.Thr15= (NM_001171935.1, NM_001171936.1); c.2661-144C>A (NM_001171933.1, NM_001171934.1).
Identifiers: ClinVar variation 1284726 (VCV001284726.6), dbSNP rs187068482, ClinGen allele CA5547035.